The following is an entry in ClinVar:

ClinVar aggregate classification (germline): Uncertain significance (1 of 4 stars; one submission).

Conditions:
Hereditary cancer-predisposing syndrome. Also called: Neoplastic Syndromes, Hereditary; Tumor predisposition; Hereditary Cancer Syndrome; Hereditary neoplastic syndrome. Identifiers: Orphanet 140162, MedGen C0027672, MeSH D009386, MONDO:0015356.

Submission:

Ambry Genetics
Classification: Uncertain significance for Hereditary cancer-predisposing syndrome. Last evaluated: 2026-05-11. Review status: criteria provided, single submitter. Criteria: Ambry Variant Classification Scheme 2023. Collection method: clinical testing. Allele origin: germline.
Comment: The p.D917Y variant (also known as c.2749G>T), located in coding exon 15 of the APC gene, results from a G to T substitution at nucleotide position 2749. The aspartic acid at codon 917 is replaced by tyrosine, an amino acid with highly dissimilar properties. This amino acid position is well conserved in available vertebrate species. In addition, in silico predictors for this gene do not accurately predict pathogenicity. Missense variants in APC are not a common cause of disease (Spier I et al. Genet Med. 2024 Feb;26(2):100992). Based on the available evidence, the clinical significance of this variant remains unclear.

NM_000038.6(APC):c.2749G>T (p.Asp917Tyr)

Gene: APC (APC regulator of Wnt signaling pathway; plus strand). Cytogenetic location: 5q22.2.
Variant type: single nucleotide variant.
Coding change: c.2749G>T on transcript NM_000038.6 (MANE Select); coding-DNA position 2749, G replaced by T.
Protein change: p.Asp917Tyr; replaces aspartic acid 917 with tyrosine.
Molecular consequence: missense variant. On other transcripts: non-coding transcript variant (2).
Genome position (GRCh38, 1-based): chr5:112,838,343, G>T. VCF-style: chr5-112838343-G-T. GRCh37 (hg19) VCF-style: chr5-112174040-G-T.
Other names: c.2674G>T, p.Asp892Tyr (NM_001354898.2); c.2665G>T, p.Asp889Tyr (NM_001354899.2); c.2626G>T, p.Asp876Tyr (NM_001354900.2); c.2572G>T, p.Asp858Tyr (NM_001354901.2, NM_001407453.1); c.2476G>T, p.Asp826Tyr (NM_001354902.2); c.2446G>T, p.Asp816Tyr (NM_001354903.2, NM_001407458.1, NM_001407459.1 and 1 more transcripts); c.2371G>T, p.Asp791Tyr (NM_001354904.2); c.2269G>T, p.Asp757Tyr (NM_001354905.2); and 11 more; short protein forms D533Y, D634Y, D757Y, D788Y, D791Y, D816Y, D826Y, D834Y.
Identifiers: ClinVar variation 4861578 (VCV004861578.1).